The following is an entry in ClinVar:

NM_003052.5(SLC34A1):c.782G>A (p.Arg261His)

Gene: SLC34A1 (solute carrier family 34 member 1; plus strand). Cytogenetic location: 5q35.3.
Variant type: single nucleotide variant.
Coding change: c.782G>A on transcript NM_003052.5 (MANE Select); coding-DNA position 782, G replaced by A.
Protein change: p.Arg261His; replaces arginine 261 with histidine.
Molecular consequence: missense variant.
Genome position (GRCh38, 1-based): chr5:177,388,131, G>A. VCF-style: chr5-177388131-G-A. GRCh37 (hg19) VCF-style: chr5-176815132-G-A.
Other names: c.782G>A, p.Arg261His (NM_001167579.2); short protein forms R261H.
Identifiers: ClinVar variation 352966 (VCV000352966.14), dbSNP rs144306414, ClinGen allele CA3580520.

ClinVar aggregate classification (germline): Conflicting classifications of pathogenicity. Review status: criteria provided, conflicting classifications (1 of 4 stars). 6 submissions from 6 submitters: Uncertain significance (5); Benign (1). Last evaluated 2025-09-16.

Conditions:
SLC34A1-related disorder. Also called: SLC34A1-related condition; SLC34A1-related disorders.
Hypophosphatemic nephrolithiasis/osteoporosis 1. Identifiers: Orphanet 244305, MedGen C2676786, MONDO:0012850, OMIM 612286.
Fanconi renotubular syndrome 2 (FRTS2). Identifiers: MedGen C3150652, MONDO:0013247, OMIM 613388.
Hypercalcemia, infantile, 2 (HCINF2). Identifiers: Orphanet 300547, MedGen C4310473, MONDO:0014851, OMIM 616963.

Allele frequency attached by ClinVar (database versions not stated): ESP Exome Variant Server 0.00054; 1000 Genomes Project 0.00060; 1000 Genomes Project 30x 0.00062; gnomAD 0.00066; TOPMed 0.00078.
gnomAD v4.1: 1,651 of 1,614,104 alleles (0.1%); highest among the groups gnomAD compares: Non-Finnish European, 0.13%; no homozygotes.

Submissions (6):

PreventionGenetics, part of Exact Sciences
Classification: Uncertain significance for SLC34A1-related condition. Last evaluated: 2025-09-16. Review status: criteria provided, single submitter. Criteria: ACMG Guidelines, 2015. Collection method: clinical testing. Allele origin: germline.
Comment: The SLC34A1 c.782G>A variant is predicted to result in the amino acid substitution p.Arg261His. This variant was reported in the heterozygous state in an individual with renal hypophosphatemia (Table S1, Hureaux et al. 2019. PubMed ID: 31672324). This variant is reported in 0.068% of alleles in individuals of Latino descent in gnomAD. Although we suspect that this variant may be benign, at this time, the clinical significance of this variant is uncertain due to the absence of conclusive functional and genetic evidence.

Center for Genomic Medicine, Rigshospitalet, Copenhagen University Hospital
Classification: Uncertain significance. Last evaluated: 2025-03-04. Review status: criteria provided, single submitter. Criteria: ACMG Guidelines, 2015. Collection method: clinical testing. Allele origin: germline.

Fulgent Genetics
Classification: Uncertain significance for Hypophosphatemic nephrolithiasis/osteoporosis 1; Fanconi renotubular syndrome 2; Hypercalcemia, infantile, 2. Last evaluated: 2024-02-15. Review status: criteria provided, single submitter. Criteria: ACMG Guidelines, 2015. Collection method: clinical testing. Allele origin: germline.

Labcorp Genetics (formerly Invitae), Labcorp
Classification: Uncertain significance. Last evaluated: 2022-10-18. Review status: criteria provided, single submitter. Criteria: Invitae Variant Classification Sherloc (09022015). Collection method: clinical testing. Allele origin: germline.
Comment: This sequence change replaces arginine, which is basic and polar, with histidine, which is basic and polar, at codon 261 of the SLC34A1 protein (p.Arg261His). This variant is present in population databases (rs144306414, gnomAD 0.07%). This missense change has been observed in individual(s) with hypophosphatemia (PMID: 31672324). ClinVar contains an entry for this variant (Variation ID: 352966). Advanced modeling of protein sequence and biophysical properties (such as structural, functional, and spatial information, amino acid conservation, physicochemical variation, residue mobility, and thermodynamic stability) performed at Invitae indicates that this missense variant is not expected to disrupt SLC34A1 protein function. In summary, the available evidence is currently insufficient to determine the role of this variant in disease. Therefore, it has been classified as a Variant of Uncertain Significance.

GeneDx
Classification: Uncertain significance. Last evaluated: 2022-06-29. Review status: criteria provided, single submitter. Criteria: GeneDx Variant Classification Process June 2021. Collection method: clinical testing. Allele origin: germline. Affected: yes.
Comment: Reported as uncertain clinical significance in a patient with renal hypophosphatemia without a second variant identified (Hureaux et al., 2019); In silico analysis supports that this missense variant does not alter protein structure/function; This variant is associated with the following publications: (PMID: 31672324)

Illumina Laboratory Services, Illumina
Classification: Benign for Hypophosphatemic nephrolithiasis/osteoporosis 1. Last evaluated: 2018-01-13. Review status: criteria provided, single submitter. Criteria: ICSL Variant Classification Criteria 13 December 2019. Collection method: clinical testing. Allele origin: germline.
Comment: This variant was observed in the ICSL laboratory as part of a predisposition screen in an ostensibly healthy population. It had not been previously curated by ICSL or reported in the Human Gene Mutation Database (HGMD: prior to June 1st, 2018), and was therefore a candidate for classification through an automated scoring system. Utilizing variant allele frequency, disease prevalence and penetrance estimates, and inheritance mode, an automated score was calculated to assess if this variant is too frequent to cause the disease. Based on the score and internal cut-off values, a variant classified as benign is not then subjected to further curation. The score for this variant resulted in a classification of benign for this disease.

Literature cited by the submitters: PubMed 31672324 (cited by Labcorp Genetics (formerly Invitae), Labcorp).